The following is an entry in ClinVar:

NM_000018.4(ACADVL):c.1024T>C (p.Phe342Leu)

Gene: ACADVL (acyl-CoA dehydrogenase very long chain; plus strand). Cytogenetic location: 17p13.1.
Variant type: single nucleotide variant.
Coding change: c.1024T>C on transcript NM_000018.4 (MANE Select); coding-DNA position 1024, T replaced by C.
Protein change: p.Phe342Leu; replaces phenylalanine 342 with leucine.
Molecular consequence: missense variant.
Genome position (GRCh38, 1-based): chr17:7,222,812, T>C. VCF-style: chr17-7222812-T-C. GRCh37 (hg19) VCF-style: chr17-7126131-T-C.
Other names: c.958T>C, p.Phe320Leu (NM_001033859.3); c.1093T>C, p.Phe365Leu (NM_001270447.2); c.796T>C, p.Phe266Leu (NM_001270448.2); short protein forms F342L, F320L, F365L, F266L.
Identifiers: ClinVar variation 592247 (VCV000592247.14), dbSNP rs1356652354, ClinGen allele CA397724186.

ClinVar aggregate classification (germline): Conflicting classifications of pathogenicity. Review status: criteria provided, conflicting classifications (1 of 4 stars). 4 submissions from 4 submitters: Pathogenic (1); Likely pathogenic (1); Uncertain significance (2). Last evaluated 2025-11-06.

Conditions:
Very long chain acyl-CoA dehydrogenase deficiency (ACADVLD). Also called: VLCAD Deficiency; Very Long-Chain Acyl-Coenzyme A Dehydrogenase Deficiency. Identifiers: Orphanet 26793, MedGen C3887523, MONDO:0008723, OMIM 201475.

Allele frequency attached by ClinVar (database versions not stated): gnomAD exomes below 0.00001; TOPMed 0.00001; gnomAD 0.00002.
gnomAD v4.1: 6 of 1,613,494 alleles (0.00037%); highest among the groups gnomAD compares: African/African-American, 0.008%; no homozygotes.

Submissions (4):

Labcorp Genetics (formerly Invitae), Labcorp
Classification: Pathogenic for Very long chain acyl-CoA dehydrogenase deficiency. Last evaluated: 2025-11-06. Review status: criteria provided, single submitter. Criteria: Invitae Variant Classification Sherloc (09022015). Collection method: clinical testing. Allele origin: germline.
Comment: This sequence change replaces phenylalanine, which is neutral and non-polar, with leucine, which is neutral and non-polar, at codon 342 of the ACADVL protein (p.Phe342Leu). This variant is not present in population databases (gnomAD no frequency). This missense change has been observed in individual(s) with VLCAD deficiency (PMID: 24503138; internal data). In at least one individual the data is consistent with being in trans (on the opposite chromosome) from a pathogenic variant. ClinVar contains an entry for this variant (Variation ID: 592247). Invitae Evidence Modeling of protein sequence and biophysical properties (such as structural, functional, and spatial information, amino acid conservation, physicochemical variation, residue mobility, and thermodynamic stability) indicates that this missense variant is not expected to disrupt ACADVL protein function with a negative predictive value of 80%. For these reasons, this variant has been classified as Pathogenic.

Women's Health and Genetics/Laboratory Corporation of America, LabCorp
Classification: Likely pathogenic for Very long chain acyl-CoA dehydrogenase deficiency. Last evaluated: 2025-10-16. Review status: criteria provided, single submitter. Criteria: LabCorp Variant Classification Summary - May 2015. Collection method: clinical testing. Allele origin: germline.
Comment: Variant summary: ACADVL c.1024T>C (p.Phe342Leu) results in a non-conservative amino acid change located in the C-terminal domain (IPR009075) of the encoded protein sequence. Algorithms developed to predict the effect of missense changes on protein structure and function all suggest that this variant is likely to be disruptive. The variant was absent in 251308 control chromosomes. The available data on variant occurrences in the general population are insufficient to allow any conclusion about variant significance. c.1024T>C has been observed in the presumed compound heterozygous state in at least 2 individuals affected with Very Long Chain Acyl-CoA Dehydrogenase Deficiency (e.g., Merritt_2014, Miller_2015, Adhikari_2020, Labcorp Genetics (formerly Invitae)). These data indicate that the variant may be associated with disease. To our knowledge, no experimental evidence demonstrating an impact on protein function has been reported. The following publications have been ascertained in the context of this evaluation (PMID: 26385305, 32778825, 24503138). ClinVar contains an entry for this variant (Variation ID: 592247). Based on the evidence outlined above, the variant was classified as likely pathogenic.

Wong Mito Lab, Molecular and Human Genetics, Baylor College of Medicine
Classification: Uncertain significance for Very long chain acyl-CoA dehydrogenase deficiency. Last evaluated: 2019-11-01. Review status: criteria provided, single submitter. Criteria: ACMG Guidelines, 2015. Collection method: clinical testing. Allele origin: germline.
Comment: The NM_000018.3:c.1024T>C (NP_000009.1:p.Phe342Leu) [GRCH38: NC_000017.11:g.7222812T>C] variant in ACADVL gene is interpretated to be Uncertain Significance based on ACMG guidelines (PMID: 25741868). This variant has been reported. This variant dose not meet any evidence codes reported in the ACMG guidelines.

Eurofins Ntd Llc (ga)
Classification: Uncertain significance. Last evaluated: 2017-11-21. Review status: criteria provided, single submitter. Criteria: EGL Classification Definitions 2015. Collection method: clinical testing. Allele origin: germline. Observed: 1 variant allele, 1 heterozygote.

Literature cited by the submitters: PubMed 24503138 (cited by Labcorp Genetics (formerly Invitae), Labcorp and Women's Health and Genetics/Laboratory Corporation of America, LabCorp); PubMed 26385305 (cited by Women's Health and Genetics/Laboratory Corporation of America, LabCorp); PubMed 32778825 (cited by Women's Health and Genetics/Laboratory Corporation of America, LabCorp).